The following is an entry in ClinVar:

NM_001385012.1(NBEA):c.122G>C (p.Gly41Ala)

Gene: NBEA (neurobeachin; plus strand). Cytogenetic location: 13q13.3.
Variant type: single nucleotide variant.
Coding change: c.122G>C on transcript NM_001385012.1 (MANE Select); coding-DNA position 122, G replaced by C.
Protein change: p.Gly41Ala; replaces glycine 41 with alanine.
Molecular consequence: missense variant.
Genome position (GRCh38, 1-based): chr13:34,942,942, G>C. VCF-style: chr13-34942942-G-C. GRCh37 (hg19) VCF-style: chr13-35517079-G-C.
Other names: c.122G>C, p.Gly41Ala (NM_001379245.1, NM_015678.5); short protein forms G41A.
Identifiers: ClinVar variation 2630674 (VCV002630674.3), dbSNP rs2152476258, ClinGen allele CA387832068.
Genomic context (GRCh38, chr13:34,942,942, plus strand): 5'-CCGTCGGGGCCGCTGGCGGAGGCGGCGGGGGCAGCGGTGGTGGCGGCACCGGGGGCAGCG[G>C]GATGGGGGAGCTAAGGGGGGCGTCCGGCTCCGGCTCGGTGATGCTCCCCGCGGGGATGAT-3'
Protein context (NP_001371941.1, residues 31-51): GSGGGGTGGS[Gly41Ala]MGELRGASGS

ClinVar aggregate classification (germline): Uncertain significance. Review status: criteria provided, multiple submitters, no conflicts (2 of 4 stars). 2 submissions from 2 submitters: Uncertain significance (2). Last evaluated 2025-11-25.

Conditions:
NBEA-related disorder. Also called: NBEA-related condition.

Submissions (2):

PreventionGenetics, part of Exact Sciences
Classification: Uncertain significance for NBEA-related condition. Last evaluated: 2025-11-25. Review status: criteria provided, single submitter. Criteria: ACMG Guidelines, 2015. Collection method: clinical testing. Allele origin: germline.
Comment: The NBEA c.122G>C variant is predicted to result in the amino acid substitution p.Gly41Ala. To our knowledge, this variant has not been reported in the literature or in a large population database (gnomAD), indicating this variant is rare. At this time, the clinical significance of this variant is uncertain due to the absence of conclusive functional and genetic evidence.

GeneDx
Classification: Uncertain significance. Last evaluated: 2023-08-08. Review status: criteria provided, single submitter. Criteria: GeneDx Variant Classification Process June 2021. Collection method: clinical testing. Allele origin: germline. Affected: yes.
Comment: Not observed at significant frequency in large population cohorts (gnomAD); In silico analysis supports that this missense variant does not alter protein structure/function; Has not been previously published as pathogenic or benign to our knowledge